The following is an entry in ClinVar:

ClinVar aggregate classification (germline): Uncertain significance (1 of 4 stars; one submission).

Conditions:
Inborn genetic diseases. Identifiers: MedGen C0950123, MeSH D030342.

Submission:

Ambry Genetics
Classification: Uncertain significance for Inborn genetic diseases. Last evaluated: 2021-07-03. Review status: criteria provided, single submitter. Criteria: Ambry Variant Classification Scheme 2023. Collection method: clinical testing. Allele origin: germline.
Comment: The p.D184H variant (also known as c.550G>C), located in coding exon 6 of the RAD51 gene, results from a G to C substitution at nucleotide position 550. The aspartic acid at codon 184 is replaced by histidine, an amino acid with similar properties. This amino acid position is conserved. In addition, this alteration is predicted to be deleterious by in silico analysis. Since supporting evidence is limited at this time, the clinical significance of this alteration remains unclear.

NM_002875.5(RAD51):c.550G>C (p.Asp184His)

Gene: RAD51 (RAD51 recombinase; plus strand). Cytogenetic location: 15q15.1.
Variant type: single nucleotide variant.
Coding change: c.550G>C on transcript NM_002875.5 (MANE Select); coding-DNA position 550, G replaced by C.
Protein change: p.Asp184His; replaces aspartic acid 184 with histidine.
Molecular consequence: missense variant.
Genome position (GRCh38, 1-based): chr15:40,728,730, G>C. VCF-style: chr15-40728730-G-C. GRCh37 (hg19) VCF-style: chr15-41020928-G-C.
Other names: c.553G>C, p.Asp185His (NM_001164269.2, NM_133487.4); c.550G>C, p.Asp184His (NM_001164270.2); short protein forms D185H, D184H.
Identifiers: ClinVar variation 1748025 (VCV001748025.2), dbSNP rs2504523634, ClinGen allele CA391757114.